The following is an entry in ClinVar:

ClinVar aggregate classification (germline): Pathogenic (1 of 4 stars; one submission).

Submission:

Labcorp Genetics (formerly Invitae), Labcorp
Classification: Pathogenic. Last evaluated: 2023-06-14. Review status: criteria provided, single submitter. Criteria: Invitae Variant Classification Sherloc (09022015). Collection method: clinical testing. Allele origin: germline.
Comment: This variant has not been reported in the literature in individuals affected with ATR-related conditions. For these reasons, this variant has been classified as Pathogenic. This variant is not present in population databases (gnomAD no frequency). This sequence change creates a premature translational stop signal (p.Val1172*) in the ATR gene. It is expected to result in an absent or disrupted protein product. Loss-of-function variants in ATR are known to be pathogenic (PMID: 21228398, 23144622).

Literature cited by the submitters: PubMed 21228398; PubMed 23144622.

NM_001184.4(ATR):c.3514del (p.Arg1171_Val1172insTer)

Gene: ATR (ATR checkpoint kinase; minus strand). Cytogenetic location: 3q23.
Variant type: Deletion.
Coding change: c.3514del on transcript NM_001184.4 (MANE Select); coding-DNA position 3514, one base deleted (G; older notation c.3514delG).
Protein change: p.Arg1171_Val1172insTer.
Molecular consequence: nonsense.
Genome position (GRCh38, 1-based): chr3:142,540,971, C deleted on the plus strand (G on the coding strand, the reverse complement: ATR is on the minus strand); the first of 3 consecutive C bases (chr3:142,540,971-142,540,973); deleting any one gives the same sequence. VCF-style (leftmost placement, unchanged base first): chr3-142540970-AC-A. GRCh37 (hg19) VCF-style: chr3-142259812-AC-A.
Other names: c.3322del, p.Arg1107_Val1108insTer (NM_001354579.2).
Identifiers: ClinVar variation 2759434 (VCV002759434.3), dbSNP rs2473328198, ClinGen allele CA2697556893.